The following is an entry in ClinVar:

NM_001018115.3(FANCD2):c.777A>G (p.Leu259=)

Genes: FANCD2 (FA complementation group D2; plus strand), LOC107303338 (3p25 FANCD2 Alu-mediated recombination region; plus strand). Cytogenetic location: 3p25.3.
Variant type: single nucleotide variant.
Coding change: c.777A>G on transcript NM_001018115.3 (MANE Select); coding-DNA position 777, A replaced by G.
Protein change: p.Leu259=; no amino-acid change (leucine 259 retained).
Molecular consequence: synonymous variant.
Genome position (GRCh38, 1-based): chr3:10,041,704, A>G. VCF-style: chr3-10041704-A-G. GRCh37 (hg19) VCF-style: chr3-10083388-A-G.
Other names: c.777A>G, p.Leu259= (NM_001319984.2, NM_001374253.1, NM_001374254.1 and 1 more transcripts); c.777A>G (NM_001018115.2).
Identifiers: ClinVar variation 2798435 (VCV002798435.4), dbSNP rs1272150079, ClinGen allele CA432429827.
Genomic context (GRCh38, chr3:10,041,704, plus strand): 5'-TTCACTCACTGTCCCAATCCTGGATGTCCTTTCAAGCCTCCGACTTGACCCAAACTTCCT[A>G]TTGAAGGTAGAAAAGACTCAGCTTTCCAGAAACAGAGCCAGCTTTCCAACCTCCCAGAAC-3'
Protein context (NP_001018125.1, residues 249-269): LSSLRLDPNF[Leu259=]LKVRQLVMDK

ClinVar aggregate classification (germline): Likely benign. Review status: criteria provided, multiple submitters, no conflicts (2 of 4 stars). 2 submissions from 2 submitters: Likely benign (2). Last evaluated 2024-10-17.

Conditions:
Fanconi anemia (FA). Also called: Fanconi's anemia. Identifiers: Orphanet 84, MedGen C0015625, MeSH D005199, MONDO:0019391.
FANCD2-related disorder. Also called: FANCD2-related condition.

Allele frequency attached by ClinVar (database versions not stated): gnomAD exomes below 0.00001; TOPMed below 0.00001.
gnomAD v4.1: 6 of 1,613,174 alleles (0.00037%); highest among the groups gnomAD compares: South Asian, 0.0022%; no homozygotes.

Submissions (2):

PreventionGenetics, part of Exact Sciences
Classification: Likely benign for FANCD2-related condition. Last evaluated: 2024-10-17. Review status: criteria provided, single submitter. Criteria: ACMG Guidelines, 2015. Collection method: clinical testing. Allele origin: germline.
Comment: This variant is classified as likely benign based on ACMG/AMP sequence variant interpretation guidelines (Richards et al. 2015 PMID: 25741868, with internal and published modifications).

Labcorp Genetics (formerly Invitae), Labcorp
Classification: Likely benign for Fanconi anemia. Last evaluated: 2023-03-18. Review status: criteria provided, single submitter. Criteria: Invitae Variant Classification Sherloc (09022015). Collection method: clinical testing. Allele origin: germline.